The following is an entry in ClinVar:

NM_024757.5(EHMT1):c.1249-11T>C

Gene: EHMT1 (euchromatic histone lysine methyltransferase 1; plus strand). Cytogenetic location: 9q34.3.
Variant type: single nucleotide variant.
Coding change: c.1249-11T>C on transcript NM_024757.5 (MANE Select); 11 bases into the intron before coding-DNA position 1249, T replaced by C.
Molecular consequence: intron variant.
Genome position (GRCh38, 1-based): chr9:137,754,160, T>C. VCF-style: chr9-137754160-T-C. GRCh37 (hg19) VCF-style: chr9-140648612-T-C.
Other names: c.1228-11T>C (NM_001354263.2); c.1156-11T>C (NM_001354259.2, NM_001354612.2); c.1249-11T>C (NM_001145527.2, NM_001354611.2).
Identifiers: ClinVar variation 1297907 (VCV001297907.18), dbSNP rs561072157, ClinGen allele CA5374559.
Genomic context (GRCh38, chr9:137,754,160, plus strand): 5'-CTTGTAGTGCTCTTGCCTTCCGTAGCTTCCTGTGCTTAGTGGTTTATATGCCTGCCCGTT[T>C]GGTTCTCCAGAGTTCGGAATCCAGCATTAAGAAGAAATTTCTCAAGAGGAAAGGAAAGAC-3'

ClinVar aggregate classification (germline): Benign/Likely benign. Review status: criteria provided, multiple submitters, no conflicts (2 of 4 stars). 4 submissions from 4 submitters: Benign (2); Likely benign (2). Last evaluated 2026-02-01.

Conditions:
Kleefstra syndrome 1 (KLEFS1). Identifiers: Orphanet 261494, MedGen C0795833, MONDO:0027407, OMIM 610253.

Allele frequency attached by ClinVar (database versions not stated): ExAC 0.00012; gnomAD 0.00013 and 0.00016; gnomAD exomes 0.00015 and 0.00016; TOPMed 0.00029.
gnomAD v4.1: 261 of 1,614,126 alleles (0.016%); highest among the groups gnomAD compares: Middle Eastern, 0.099%; 1 homozygote.

Submissions (7):

CeGaT Center for Human Genetics Tuebingen
Classification: Benign. Last evaluated: 2026-02-01. Review status: criteria provided, single submitter. Criteria: CeGaT Center For Human Genetics Tuebingen Variant Classification Criteria Version 2. Collection method: clinical testing. Allele origin: germline. Affected: yes. Observed: 1 variant allele.
Comment: EHMT1: BS1, BS2

Labcorp Genetics (formerly Invitae), Labcorp
Classification: Likely benign for Kleefstra syndrome 1. Last evaluated: 2026-01-12. Review status: criteria provided, single submitter. Criteria: Invitae Variant Classification Sherloc (09022015). Collection method: clinical testing. Allele origin: germline.

Blueprint Genetics
Classification: Likely benign. Last evaluated: 2024-11-13. Review status: criteria provided, single submitter. Criteria: ACMG Guidelines, 2015. Collection method: clinical testing. Allele origin: germline.

GeneDx
Classification: Benign. Last evaluated: 2019-03-27. Review status: criteria provided, single submitter. Criteria: GeneDx Variant Classification Process June 2021. Collection method: clinical testing. Allele origin: germline. Affected: yes.

Dr. Peter K. Rogan Lab, Western University
No classification provided (evidence only). Condition: Cervical cancer. Review status: no classification provided. Collection method: in vitro. Allele origin: not applicable. Functional consequence: retained intron. Not counted in ClinVar's aggregate classification.

Dr. Peter K. Rogan Lab, Western University
No classification provided (evidence only). Condition: Chronic lymphocytic leukemia/small lymphocytic lymphoma. Review status: no classification provided. Collection method: in vitro. Allele origin: not applicable. Functional consequence: retained intron. Not counted in ClinVar's aggregate classification.

Dr. Peter K. Rogan Lab, Western University
No classification provided (evidence only). Condition: Chronic lymphocytic leukemia/small lymphocytic lymphoma. Review status: no classification provided. Collection method: in vitro. Allele origin: not applicable. Functional consequence: retained intron. Not counted in ClinVar's aggregate classification.